The following is an entry in ClinVar:

ClinVar aggregate classification (germline): Uncertain significance (1 of 4 stars; one submission).

Submission:

GeneDx
Classification: Uncertain significance. Last evaluated: 2020-03-07. Review status: criteria provided, single submitter. Criteria: GeneDx Variant Classification Process June 2021. Collection method: clinical testing. Allele origin: germline. Affected: yes.
Comment: Not observed in large population cohorts (Lek et al., 2016); Has not been previously published as pathogenic or benign to our knowledge

NM_002661.5(PLCG2):c.3571-7C>A

Gene: PLCG2 (phospholipase C gamma 2; plus strand). Cytogenetic location: 16q23.3.
Variant type: single nucleotide variant.
Coding change: c.3571-7C>A on transcript NM_002661.5 (MANE Select); 7 bases into the intron before coding-DNA position 3571, C replaced by A.
Molecular consequence: intron variant.
Genome position (GRCh38, 1-based): chr16:81,956,688, C>A. VCF-style: chr16-81956688-C-A. GRCh37 (hg19) VCF-style: chr16-81990293-C-A.
Identifiers: ClinVar variation 489142 (VCV000489142.4), dbSNP rs1555524600, ClinGen allele CA658683972.